The following is an entry in ClinVar:

ClinVar aggregate classification (germline): Uncertain significance. Review status: criteria provided, multiple submitters, no conflicts (2 of 4 stars). 2 submissions from 2 submitters: Uncertain significance (2). Last evaluated 2024-11-08.

Conditions:
Inborn genetic diseases. Identifiers: MedGen C0950123, MeSH D030342.

Allele frequency attached by ClinVar (database versions not stated): gnomAD 0.00001; TOPMed 0.00001; gnomAD exomes 0.00003; ExAC 0.00007; 1000 Genomes Project 30x 0.00016; 1000 Genomes Project 0.00020.
gnomAD v4.1: 55 of 1,613,158 alleles (0.0034%); highest among the groups gnomAD compares: South Asian, 0.054%; 1 homozygote.

Submissions (2):

Ambry Genetics
Classification: Uncertain significance for Inborn genetic diseases. Last evaluated: 2024-11-08. Review status: criteria provided, single submitter. Criteria: Ambry Variant Classification Scheme 2023. Collection method: clinical testing. Allele origin: germline.

Labcorp Genetics (formerly Invitae), Labcorp
Classification: Uncertain significance. Last evaluated: 2023-11-18. Review status: criteria provided, single submitter. Criteria: Invitae Variant Classification Sherloc (09022015). Collection method: clinical testing. Allele origin: germline.
Comment: This sequence change replaces phenylalanine, which is neutral and non-polar, with cysteine, which is neutral and slightly polar, at codon 291 of the NDUFA9 protein (p.Phe291Cys). This variant is present in population databases (rs542579611, gnomAD 0.05%). This variant has not been reported in the literature in individuals affected with NDUFA9-related conditions. An algorithm developed to predict the effect of missense changes on protein structure and function (PolyPhen-2) suggests that this variant is likely to be disruptive. In summary, the available evidence is currently insufficient to determine the role of this variant in disease. Therefore, it has been classified as a Variant of Uncertain Significance.

NM_005002.5(NDUFA9):c.872T>G (p.Phe291Cys)

Gene: NDUFA9 (NADH:ubiquinone oxidoreductase subunit A9; plus strand). Cytogenetic location: 12p13.32.
Variant type: single nucleotide variant.
Coding change: c.872T>G on transcript NM_005002.5 (MANE Select); coding-DNA position 872, T replaced by G.
Protein change: p.Phe291Cys; replaces phenylalanine 291 with cysteine.
Molecular consequence: missense variant.
Genome position (GRCh38, 1-based): chr12:4,682,276, T>G. VCF-style: chr12-4682276-T-G. GRCh37 (hg19) VCF-style: chr12-4791442-T-G.
Other names: short protein forms F291C.
Identifiers: ClinVar variation 2906675 (VCV002906675.4), dbSNP rs542579611, ClinGen allele CA6398259.